The following is an entry in ClinVar:

ClinVar aggregate classification (germline): Uncertain significance (1 of 4 stars; one submission).

Allele frequency attached by ClinVar (database versions not stated): TOPMed below 0.00001; gnomAD 0.00001.

Submission:

Labcorp Genetics (formerly Invitae), Labcorp
Classification: Uncertain significance. Last evaluated: 2022-11-12. Review status: criteria provided, single submitter. Criteria: Invitae Variant Classification Sherloc (09022015). Collection method: clinical testing. Allele origin: germline.
Comment: In summary, the available evidence is currently insufficient to determine the role of this variant in disease. Therefore, it has been classified as a Variant of Uncertain Significance. This variant is not present in population databases (gnomAD no frequency). Algorithms developed to predict the effect of missense changes on protein structure and function are either unavailable or do not agree on the potential impact of this missense change (SIFT: "Deleterious"; PolyPhen-2: "Benign"; Align-GVGD: "Class C0"). This variant has not been reported in the literature in individuals affected with MICAL1-related conditions. This sequence change replaces alanine, which is neutral and non-polar, with proline, which is neutral and non-polar, at codon 475 of the MICAL1 protein (p.Ala475Pro).

NM_022765.4(MICAL1):c.1366G>C (p.Ala456Pro)

Gene: MICAL1 (microtubule associated monooxygenase, calponin and LIM domain containing 1; minus strand). Cytogenetic location: 6q21.
Variant type: single nucleotide variant.
Coding change: c.1366G>C on transcript NM_022765.4 (MANE Select); coding-DNA position 1366, G replaced by C.
Protein change: p.Ala456Pro; replaces alanine 456 with proline.
Molecular consequence: missense variant.
Genome position (GRCh38, 1-based): chr6:109,449,725, C>G on the plus strand (G>C on the coding strand, the complement: MICAL1 is on the minus strand). VCF-style: chr6-109449725-C-G. GRCh37 (hg19) VCF-style: chr6-109770928-C-G.
Other names: c.1108G>C, p.Ala370Pro (NM_001159291.2); c.1423G>C, p.Ala475Pro (NM_001286613.2); short protein forms A370P, A456P, A475P.
Identifiers: ClinVar variation 2780453 (VCV002780453.3), dbSNP rs1775450221, ClinGen allele CA365230165.